The following is an entry in ClinVar:

ClinVar aggregate classification (germline): Uncertain significance (1 of 4 stars; one submission).

gnomAD v4.1: 1 of 1,614,092 alleles (0.000062%); highest among the groups gnomAD compares: Non-Finnish European, 0.000085%; no homozygotes.

Submission:

CeGaT Center for Human Genetics Tuebingen
Classification: Uncertain significance. Last evaluated: 2026-02-01. Review status: criteria provided, single submitter. Criteria: CeGaT Center For Human Genetics Tuebingen Variant Classification Criteria Version 2. Collection method: clinical testing. Allele origin: germline. Affected: yes. Observed: 1 variant allele.
Comment: ADAMTS2: PM2, BP4

NM_014244.5(ADAMTS2):c.3424G>T (p.Val1142Phe)

Gene: ADAMTS2 (ADAM metallopeptidase with thrombospondin type 1 motif 2; minus strand). Cytogenetic location: 5q35.3.
Variant type: single nucleotide variant.
Coding change: c.3424G>T on transcript NM_014244.5 (MANE Select); coding-DNA position 3424, G replaced by T.
Protein change: p.Val1142Phe; replaces valine 1142 with phenylalanine.
Molecular consequence: missense variant.
Genome position (GRCh38, 1-based): chr5:179,114,079, C>A on the plus strand (G>T on the coding strand, the complement: ADAMTS2 is on the minus strand). VCF-style: chr5-179114079-C-A. GRCh37 (hg19) VCF-style: chr5-178541080-C-A.
Other names: short protein forms V1142F.
Identifiers: ClinVar variation 4823412 (VCV004823412.4).
Genomic context (GRCh38, chr5:179,114,079, plus strand): 5'-CTACGGCATTGGTTTCTGGGTGATCCTCTGTGGCATTGGTGCTGGAGGCATTGAGAGGGA[C>A]CTCCAGGGGGGTGCTTGGTGATGGCCGCACCTCCATGGCTACAGTGGGCACTGGGAGGGT-3'
Protein context (NP_055059.2, residues 1132-1152): VRPSPSTPLE[Val1142Phe]PLNASSTNAT